The following is an entry in ClinVar:

ClinVar aggregate classification (germline): Conflicting classifications of pathogenicity. Review status: criteria provided, conflicting classifications (1 of 4 stars). 2 submissions from 2 submitters: Uncertain significance (1); Benign (1). Last evaluated 2025-09-09.

Conditions:
Hereditary cancer-predisposing syndrome. Also called: Neoplastic Syndromes, Hereditary; Hereditary Cancer Syndrome; Hereditary neoplastic syndrome; Tumor predisposition. Identifiers: Orphanet 140162, MedGen C0027672, MeSH D009386, MONDO:0015356.
Familial adenomatous polyposis 2. Also called: Adenomas, multiple colorectal; MUTYH Polyposis; COLORECTAL ADENOMATOUS POLYPOSIS, AUTOSOMAL RECESSIVE; ADENOMAS, MULTIPLE COLORECTAL, AUTOSOMAL RECESSIVE; FAP type 2; MUTYH-associated polyposis. Identifiers: Orphanet 220460, Orphanet 247798, MedGen C3272841, MONDO:0012041, OMIM 608456.

Allele frequency attached by ClinVar (database versions not stated): gnomAD exomes below 0.00001.

Submissions (2):

Ambry Genetics
Classification: Benign for Hereditary cancer-predisposing syndrome. Last evaluated: 2025-09-09. Review status: criteria provided, single submitter. Criteria: Ambry Variant Classification Scheme 2023. Collection method: clinical testing. Allele origin: germline.

Labcorp Genetics (formerly Invitae), Labcorp
Classification: Uncertain significance for Familial adenomatous polyposis 2. Last evaluated: 2025-03-07. Review status: criteria provided, single submitter. Criteria: Invitae Variant Classification Sherloc (09022015). Collection method: clinical testing. Allele origin: germline.
Comment: This sequence change replaces lysine, which is basic and polar, with asparagine, which is neutral and polar, at codon 521 of the MUTYH protein (p.Lys521Asn). This variant is not present in population databases (gnomAD no frequency). This variant has not been reported in the literature in individuals affected with MUTYH-related conditions. ClinVar contains an entry for this variant (Variation ID: 1045738). An algorithm developed to predict the effect of missense changes on protein structure and function (PolyPhen-2) suggests that this variant is likely to be disruptive. In summary, the available evidence is currently insufficient to determine the role of this variant in disease. Therefore, it has been classified as a Variant of Uncertain Significance.

NM_001048174.2(MUTYH):c.1479G>T (p.Lys493Asn)

Gene: MUTYH (mutY DNA glycosylase; minus strand). Cytogenetic location: 1p34.1.
Variant type: single nucleotide variant.
Coding change: c.1479G>T on transcript NM_001048174.2 (MANE Select); coding-DNA position 1479, G replaced by T.
Protein change: p.Lys493Asn; replaces lysine 493 with asparagine.
Molecular consequence: missense variant. On other transcripts: non-coding transcript variant (2).
Genome position (GRCh38, 1-based): chr1:45,329,393, C>A on the plus strand (G>T on the coding strand, the complement: MUTYH is on the minus strand). VCF-style: chr1-45329393-C-A. GRCh37 (hg19) VCF-style: chr1-45795065-C-A.
Other names: c.1554G>T, p.Lys518Asn (NM_012222.3); c.1479G>T, p.Lys493Asn (NM_001293195.2, NM_001048171.2, NM_001048173.2); c.1203G>T, p.Lys401Asn (NM_001293196.2, NM_001293192.2); c.1134G>T, p.Lys378Asn (NM_001350650.2, NM_001350651.2); c.1563G>T (NM_001128425.1); c.1482G>T, p.Lys494Asn (NM_001048172.2); c.1563G>T, p.Lys521Asn (NM_001128425.2); c.1524G>T, p.Lys508Asn (NM_001293190.2); and 1 more; short protein forms K378N, K504N, K518N, K521N, K493N, K508N, K401N, K494N.
Identifiers: ClinVar variation 1045738 (VCV001045738.10), dbSNP rs1644368705, ClinGen allele CA340131785.